The following is an entry in ClinVar:

ClinVar aggregate classification (germline): Uncertain significance (1 of 4 stars; one submission).

Allele frequency attached by ClinVar (database versions not stated): gnomAD exomes below 0.00001.
gnomAD v4.1: 1 of 1,600,906 alleles (0.000062%); no homozygotes.

Submission:

GeneDx
Classification: Uncertain significance. Last evaluated: 2022-07-18. Review status: criteria provided, single submitter. Criteria: GeneDx Variant Classification Process June 2021. Collection method: clinical testing. Allele origin: germline. Affected: yes.
Comment: Not observed at significant frequency in large population cohorts (gnomAD); In silico analysis supports that this missense variant has a deleterious effect on protein structure/function; Has not been previously published as pathogenic or benign to our knowledge

NM_001606.5(ABCA2):c.3937A>G (p.Thr1313Ala)

Gene: ABCA2 (ATP binding cassette subfamily A member 2; minus strand). Cytogenetic location: 9q34.3.
Variant type: single nucleotide variant.
Coding change: c.3937A>G on transcript NM_001606.5 (MANE Select); coding-DNA position 3937, A replaced by G.
Protein change: p.Thr1313Ala; replaces threonine 1313 with alanine.
Molecular consequence: missense variant.
Genome position (GRCh38, 1-based): chr9:137,014,756, T>C on the plus strand (A>G on the coding strand, the complement: ABCA2 is on the minus strand). VCF-style: chr9-137014756-T-C. GRCh37 (hg19) VCF-style: chr9-139909208-T-C.
Other names: c.3934A>G, p.Thr1312Ala (NM_001411042.1); c.4027A>G, p.Thr1343Ala (NM_212533.3); short protein forms T1312A, T1343A, T1313A.
Identifiers: ClinVar variation 2136216 (VCV002136216.1), dbSNP rs1003850508, ClinGen allele CA201703911.
Genomic context (GRCh38, chr9:137,014,756, plus strand): 5'-CACTGTTCTCCAGCGACTGATCCTCCTCCGACACCTTGAGGAACACTTCCTCCAGGGTCG[T>C]GTCCATCAGCCCGAAGCTGCTGAGGTGCAGTGCATCCAGGCTGCGCTCCAGGTGCTGCAG-3'
Protein context (NP_001597.2, residues 1303-1323): LHLSSFGLMD[Thr1313Ala]TLEEVFLKVS